The following is an entry in ClinVar:

NM_000188.3(HK1):c.384T>A (p.Asp128Glu)

Gene: HK1 (hexokinase 1; plus strand). Cytogenetic location: 10q22.1.
Variant type: single nucleotide variant.
Coding change: c.384T>A on transcript NM_000188.3 (MANE Select); coding-DNA position 384, T replaced by A.
Protein change: p.Asp128Glu; replaces aspartic acid 128 with glutamic acid.
Molecular consequence: missense variant.
Genome position (GRCh38, 1-based): chr10:69,364,791, T>A. VCF-style: chr10-69364791-T-A. GRCh37 (hg19) VCF-style: chr10-71124547-T-A.
Other names: c.396T>A, p.Asp132Glu (NM_001322364.2, NM_001358263.1, NM_033497.3 and 1 more transcripts); c.489T>A, p.Asp163Glu (NM_001322365.2); c.300T>A, p.Asp100Glu (NM_001322366.1); c.384T>A, p.Asp128Glu (NM_001322367.1); c.381T>A, p.Asp127Glu (NM_033496.3); c.348T>A, p.Asp116Glu (NM_033500.2); short protein forms D100E, D116E, D127E, D128E, D132E, D163E.
Identifiers: ClinVar variation 2432481 (VCV002432481.4), dbSNP rs928481613, ClinGen allele CA209236594.

ClinVar aggregate classification (germline): Uncertain significance. Review status: criteria provided, multiple submitters, no conflicts (2 of 4 stars). 2 submissions from 2 submitters: Uncertain significance (2). Last evaluated 2025-02-20.

Allele frequency attached by ClinVar (database versions not stated): gnomAD exomes below 0.00001; TOPMed 0.00002.
gnomAD v4.1: 1 of 1,614,202 alleles (0.000062%); highest among the groups gnomAD compares: Admixed American, 0.0017%; no homozygotes.

Submissions (2):

Labcorp Genetics (formerly Invitae), Labcorp
Classification: Uncertain significance. Last evaluated: 2025-02-20. Review status: criteria provided, single submitter. Criteria: Invitae Variant Classification Sherloc (09022015). Collection method: clinical testing. Allele origin: germline.
Comment: This sequence change replaces aspartic acid, which is acidic and polar, with glutamic acid, which is acidic and polar, at codon 128 of the HK1 protein (p.Asp128Glu). This variant is present in population databases (no rsID available, gnomAD 0.003%). This variant has not been reported in the literature in individuals affected with HK1-related conditions. ClinVar contains an entry for this variant (Variation ID: 2432481). Invitae Evidence Modeling of protein sequence and biophysical properties (such as structural, functional, and spatial information, amino acid conservation, physicochemical variation, residue mobility, and thermodynamic stability) indicates that this missense variant is not expected to disrupt HK1 protein function with a negative predictive value of 80%. In summary, the available evidence is currently insufficient to determine the role of this variant in disease. Therefore, it has been classified as a Variant of Uncertain Significance.

Revvity Omics, Revvity
Classification: Uncertain significance. Last evaluated: 2023-01-11. Review status: criteria provided, single submitter. Criteria: ACMG Guidelines, 2015. Collection method: clinical testing. Allele origin: germline.